The following is an entry in ClinVar:

NM_016648.4(LARP7):c.1747T>G (p.Ter583Gly)

Gene: LARP7 (La ribonucleoprotein 7, transcriptional regulator; plus strand). Cytogenetic location: 4q25.
Variant type: single nucleotide variant.
Coding change: c.1747T>G on transcript NM_016648.4 (MANE Select); coding-DNA position 1747, T replaced by G.
Protein change: p.Ter583Gly.
Molecular consequence: stop lost.
Genome position (GRCh38, 1-based): chr4:112,657,325, T>G. VCF-style: chr4-112657325-T-G. GRCh37 (hg19) VCF-style: chr4-113578481-T-G.
Other names: c.1747T>G, p.Ter583Gly (NM_001267039.4, NM_001370978.1, NM_015454.3); c.1786T>G, p.Ter596Gly (NM_001370974.1, NM_001370975.1); c.1783T>G, p.Ter595Gly (NM_001370976.1, NM_001370977.1); c.1744T>G, p.Ter582Gly (NM_001370979.1, NM_001370980.1); c.1510T>G, p.Ter504Gly (NM_001370981.1, NM_001370982.1).
Identifiers: ClinVar variation 5006717 (VCV005006717.2).
Genomic context (GRCh38, chr4:112,657,325, plus strand): 5'-AAGATTAGACTGGCAAAGACTCAACAAGCGAGTAAACATATAAGATTTTCTGAATATGAT[T>G]GAAAAAAAAAACAGTTCACCTCTTAATACTTCACAAGATACTTGAGCTGTTCTTGGGAGA-3'

ClinVar aggregate classification (germline): Uncertain significance (1 of 4 stars; one submission).

Conditions:
Microcephalic primordial dwarfism, Alazami type. Also called: Alazami syndrome; FACIAL DYSMORPHISM, INTELLECTUAL DISABILITY, AND PRIMORDIAL DWARFISM. Identifiers: Orphanet 319671, MedGen C3554439, MONDO:0014031, OMIM 615071.

Submission:

Juno Genomics, Hangzhou Juno Genomics, Inc
Classification: Uncertain significance for Microcephalic primordial dwarfism, Alazami type. Review status: criteria provided, single submitter. Criteria: ACMG Guidelines, 2015. Collection method: clinical testing. Allele origin: germline.
Comment: Absent from controls (or at extremely low frequency if recessive) in Genome Aggregation Database.;Protein length changes due to in-frame deletions/insertions in a non-repeat region or stop-loss variants.